The following is an entry in ClinVar:

NM_004398.4(DDX10):c.378+7A>G

Genes: DDX10 (DEAD-box helicase 10; plus strand), LOC106865368 (inversion(11)(p15q22) DEAD (Asp-Glu-Ala-Asp) box polypeptide 10 recombination region; plus strand). Cytogenetic location: 11q22.3.
Variant type: single nucleotide variant.
Coding change: c.378+7A>G on transcript NM_004398.4 (MANE Select); 7 bases into the intron after coding-DNA position 378, A replaced by G.
Molecular consequence: intron variant.
Genome position (GRCh38, 1-based): chr11:108,675,733, A>G. VCF-style: chr11-108675733-A-G. GRCh37 (hg19) VCF-style: chr11-108546460-A-G.
Identifiers: ClinVar variation 3041086 (VCV003041086.2), dbSNP rs149877622, ClinGen allele CA6268529.

ClinVar aggregate classification (germline): Benign (0 of 4 stars; one submission).

Conditions:
DDX10-related disorder. Also called: DDX10-related condition.

Allele frequency attached by ClinVar (database versions not stated): gnomAD exomes 0.00024; ExAC 0.00085; gnomAD 0.00272; TOPMed 0.00279; ESP Exome Variant Server 0.00292; 1000 Genomes Project 0.00319; 1000 Genomes Project 30x 0.00344.
gnomAD v4.1: 772 of 1,614,048 alleles (0.048%); highest among the groups gnomAD compares: African/African-American, 0.95%; 5 homozygotes.

Submission:

PreventionGenetics, part of Exact Sciences
Classification: Benign for DDX10-related condition. Last evaluated: 2019-11-26. Review status: no assertion criteria provided. Collection method: clinical testing. Allele origin: germline.
Comment: This variant is classified as benign based on ACMG/AMP sequence variant interpretation guidelines (Richards et al. 2015 PMID: 25741868, with internal and published modifications).